The following is an entry in ClinVar:

ClinVar aggregate classification (germline): Uncertain significance (1 of 4 stars; one submission).

Conditions:
Charcot-Marie-Tooth disease dominant intermediate B (CMTDIB). Also called: CHARCOT-MARIE-TOOTH NEUROPATHY, DOMINANT INTERMEDIATE B; Charcot-Marie-Tooth disease dominant intermediate 1; CMT DI1; Charcot-Marie-Tooth disease dominant intermediate I. Identifiers: Orphanet 100044, Orphanet 228179, MedGen C1847902, MONDO:0011674, OMIM 606482.

gnomAD v4.1: 2 of 1,610,680 alleles (0.00012%); highest among the groups gnomAD compares: African/African-American, 0.0013%; no homozygotes.

Submission:

Labcorp Genetics (formerly Invitae), Labcorp
Classification: Uncertain significance for Charcot-Marie-Tooth disease dominant intermediate B. Last evaluated: 2017-03-26. Review status: criteria provided, single submitter. Criteria: Invitae Variant Classification Sherloc (09022015). Collection method: clinical testing. Allele origin: germline.
Comment: Algorithms developed to predict the effect of missense changes on protein structure and function do not agree on the potential impact of this missense change (SIFT: "Tolerated"; PolyPhen-2: "Unknown"; Align-GVGD: "Class C0"). In summary, this variant is a novel missense change with uncertain impact on protein function. It has been classified as a Variant of Uncertain Significance. This variant is not present in population databases (ExAC no frequency) and has not been reported in the literature in individuals with a DNM2-related disease. This sequence change replaces proline with leucine at codon 844 of the DNM2 protein (p.Pro844Leu). The proline residue is moderately conserved and there is a moderate physicochemical difference between proline and leucine.

NM_001005361.3(DNM2):c.2531C>T (p.Pro844Leu)

Gene: DNM2 (dynamin 2; plus strand). Cytogenetic location: 19p13.2.
Variant type: single nucleotide variant.
Coding change: c.2531C>T on transcript NM_001005361.3 (MANE Select); coding-DNA position 2531, C replaced by T.
Protein change: p.Pro844Leu; replaces proline 844 with leucine.
Molecular consequence: missense variant.
Genome position (GRCh38, 1-based): chr19:10,830,366, C>T. VCF-style: chr19-10830366-C-T. GRCh37 (hg19) VCF-style: chr19-10941042-C-T.
Other names: c.2531C>T, p.Pro844Leu (NM_001005360.3, NM_001190716.2); c.2519C>T, p.Pro840Leu (NM_001005362.3, NM_004945.4); short protein forms P844L, P840L.
Identifiers: ClinVar variation 465287 (VCV000465287.8), dbSNP rs1398139585, ClinGen allele CA404044373.